The following is an entry in ClinVar:

ClinVar aggregate classification (germline): Uncertain significance (1 of 4 stars; one submission).

Conditions:
Bardet-Biedl syndrome (BBS). Identifiers: Orphanet 110, MedGen C0752166, MONDO:0015229.

Allele frequency attached by ClinVar (database versions not stated): gnomAD exomes below 0.00001; gnomAD 0.00001; TOPMed 0.00002.
gnomAD v4.1: 4 of 1,614,116 alleles (0.00025%); highest among the groups gnomAD compares: African/African-American, 0.0053%; no homozygotes.

Submission:

Labcorp Genetics (formerly Invitae), Labcorp
Classification: Uncertain significance for Bardet-Biedl syndrome. Last evaluated: 2022-07-30. Review status: criteria provided, single submitter. Criteria: Invitae Variant Classification Sherloc (09022015). Collection method: clinical testing. Allele origin: germline.
Comment: This sequence change replaces asparagine, which is neutral and polar, with histidine, which is basic and polar, at codon 372 of the TRIM32 protein (p.Asn372His). This variant is present in population databases (no rsID available, gnomAD 0.008%). This variant has not been reported in the literature in individuals affected with TRIM32-related conditions. Algorithms developed to predict the effect of missense changes on protein structure and function (SIFT, PolyPhen-2, Align-GVGD) all suggest that this variant is likely to be disruptive. In summary, the available evidence is currently insufficient to determine the role of this variant in disease. Therefore, it has been classified as a Variant of Uncertain Significance.

NM_012210.4(TRIM32):c.1114A>C (p.Asn372His)

Genes: ASTN2 (astrotactin 2; minus strand), TRIM32 (tripartite motif containing 32; plus strand). Cytogenetic location: 9q33.1.
Variant type: single nucleotide variant.
Coding change: c.1114A>C on transcript NM_012210.4 (MANE Select); coding-DNA position 1114, A replaced by C.
Protein change: p.Asn372His; replaces asparagine 372 with histidine.
Molecular consequence: missense variant. On other transcripts: intron variant (3).
Genome position (GRCh38, 1-based): chr9:116,698,856, A>C. VCF-style: chr9-116698856-A-C. GRCh37 (hg19) VCF-style: chr9-119461135-A-C.
Other names: c.1114A>C, p.Asn372His (NM_001099679.2, NM_001379048.1, NM_001379049.1 and 1 more transcripts); c.2653+26915T>G (NM_014010.5); c.2794+26915T>G (NM_001365069.1); c.2806+26915T>G (NM_001365068.1); short protein forms N372H.
Identifiers: ClinVar variation 2092494 (VCV002092494.1), dbSNP rs890547214, ClinGen allele CA198770522.